The following is an entry in ClinVar:

ClinVar aggregate classification (germline): Uncertain significance. Review status: criteria provided, multiple submitters, no conflicts (2 of 4 stars). 2 submissions from 2 submitters: Uncertain significance (2). Last evaluated 2025-11-03.

Allele frequency attached by ClinVar (database versions not stated): ESP Exome Variant Server 0.00008; gnomAD 0.00009; TOPMed 0.00011; gnomAD exomes 0.00001; ExAC 0.00002.
gnomAD v4.1: 20 of 1,583,574 alleles (0.0013%); highest among the groups gnomAD compares: African/African-American, 0.028%; no homozygotes.

Submissions (2):

Labcorp Genetics (formerly Invitae), Labcorp
Classification: Uncertain significance. Last evaluated: 2025-11-03. Review status: criteria provided, single submitter. Criteria: Invitae Variant Classification Sherloc (09022015). Collection method: clinical testing. Allele origin: germline.
Comment: This sequence change replaces proline, which is neutral and non-polar, with threonine, which is neutral and polar, at codon 864 of the ARHGEF1 protein (p.Pro864Thr). This variant is present in population databases (rs148445682, gnomAD 0.03%). This variant has not been reported in the literature in individuals affected with ARHGEF1-related conditions. ClinVar contains an entry for this variant (Variation ID: 1918090). An algorithm developed to predict the effect of missense changes on protein structure and function (PolyPhen-2) suggests that this variant is likely to be disruptive. In summary, the available evidence is currently insufficient to determine the role of this variant in disease. Therefore, it has been classified as a Variant of Uncertain Significance.

Ambry Genetics
Classification: Uncertain significance. Last evaluated: 2024-07-09. Review status: criteria provided, single submitter. Criteria: Ambry Variant Classification Scheme 2023. Collection method: clinical testing. Allele origin: germline.

NM_004706.4(ARHGEF1):c.2545C>A (p.Pro849Thr)

Gene: ARHGEF1 (Rho guanine nucleotide exchange factor 1; plus strand). Cytogenetic location: 19q13.2.
Variant type: single nucleotide variant.
Coding change: c.2545C>A on transcript NM_004706.4 (MANE Select); coding-DNA position 2545, C replaced by A.
Protein change: p.Pro849Thr; replaces proline 849 with threonine.
Molecular consequence: missense variant. On other transcripts: non-coding transcript variant (2), intron variant (4).
Genome position (GRCh38, 1-based): chr19:41,906,510, C>A. VCF-style: chr19-41906510-C-A. GRCh37 (hg19) VCF-style: chr19-42410662-C-A.
Other names: c.2713C>A, p.Pro905Thr (NM_001396000.1); c.2446C>A, p.Pro816Thr (NM_198977.2); c.2590C>A, p.Pro864Thr (NM_199002.2); c.2492-193C>A (NM_001396003.1, NM_001396006.1); c.2393-193C>A (NM_001396002.1, NM_001396004.1); c.2590C>A (NM_199002.1); short protein forms P816T, P849T, P864T, P905T.
Identifiers: ClinVar variation 1918090 (VCV001918090.6), dbSNP rs148445682, ClinGen allele CA9466781.
Genomic context (GRCh38, chr19:41,906,510, plus strand): 5'-TGGCCAGTGCTGTCCCTGAAGCAGCTTCTGTTTCCGGCGGAGGAAGACAATGGGGCGGGG[C>A]CTCCTCGAGATGGGGATGGGGTCCCAGGGGGCGGCCCCCTGAGCCCAGCACGGACCCAGG-3'
Protein context (NP_004697.2, residues 839-859): FPAEEDNGAG[Pro849Thr]PRDGDGVPGG